The following is an entry in ClinVar:

NM_000257.4(MYH7):c.4790T>C (p.Leu1597Pro)

Genes: MHRT (myosin heavy chain associated RNA transcript; plus strand), MYH7 (myosin heavy chain 7; minus strand), LOC126861897 (BRD4-independent group 4 enhancer GRCh37_chr14:23884455-23885654; plus strand). Cytogenetic location: 14q11.2.
Variant type: single nucleotide variant.
Coding change: c.4790T>C on transcript NM_000257.4 (MANE Select); coding-DNA position 4790, T replaced by C.
Protein change: p.Leu1597Pro; replaces leucine 1597 with proline.
Molecular consequence: missense variant. On other transcripts: non-coding transcript variant (1).
Genome position (GRCh38, 1-based): chr14:23,416,167, A>G on the plus strand (T>C on the coding strand, the complement: MYH7 is on the minus strand). VCF-style: chr14-23416167-A-G. GRCh37 (hg19) VCF-style: chr14-23885376-A-G.
Other names: short protein forms L1597P.
Identifiers: ClinVar variation 1075461 (VCV001075461.9), dbSNP rs2138642164, ClinGen allele CA389037628.

ClinVar aggregate classification (germline): Pathogenic (1 of 4 stars; one submission).

Conditions:
Hypertrophic cardiomyopathy. Also called: HYPERTROPHIC MYOCARDIOPATHY. Identifiers: Orphanet 217569, MedGen C0007194, MeSH D002312, MONDO:0005045, HP:0001639.

Submission:

Labcorp Genetics (formerly Invitae), Labcorp
Classification: Pathogenic for Hypertrophic cardiomyopathy. Last evaluated: 2025-05-28. Review status: criteria provided, single submitter. Criteria: Invitae Variant Classification Sherloc (09022015). Collection method: clinical testing. Allele origin: germline.
Comment: This sequence change replaces leucine, which is neutral and non-polar, with proline, which is neutral and non-polar, at codon 1597 of the MYH7 protein (p.Leu1597Pro). This variant is not present in population databases (gnomAD no frequency). This missense change has been observed in individual(s) with features of congenital myopathy (internal data). In at least one individual the variant was observed to be de novo. ClinVar contains an entry for this variant (Variation ID: 1075461). Invitae Evidence Modeling of protein sequence and biophysical properties (such as structural, functional, and spatial information, amino acid conservation, physicochemical variation, residue mobility, and thermodynamic stability) indicates that this missense variant is expected to disrupt MYH7 protein function with a positive predictive value of 95%. This variant disrupts the p.Leu1597 amino acid residue in MYH7. Other variant(s) that disrupt this residue have been determined to be pathogenic (PMID: 23478172). This suggests that this residue is clinically significant, and that variants that disrupt this residue are likely to be disease-causing. For these reasons, this variant has been classified as Pathogenic.

Literature cited by the submitters: PubMed 23478172.